The following is an entry in ClinVar:

NM_024740.2(ALG9):c.511C>T (p.Arg171Ter)

Gene: ALG9 (ALG9 alpha-1,2-mannosyltransferase; minus strand). Cytogenetic location: 11q23.1.
Variant type: single nucleotide variant.
Coding change: c.511C>T on transcript NM_024740.2 (MANE Select); coding-DNA position 511, C replaced by T.
Protein change: p.Arg171Ter; replaces arginine 171 with a stop codon.
Molecular consequence: nonsense. On other transcripts: 5 prime UTR variant (15), non-coding transcript variant (1).
Genome position (GRCh38, 1-based): chr11:111,860,601, G>A on the plus strand (C>T on the coding strand, the complement: ALG9 is on the minus strand). VCF-style: chr11-111860601-G-A. GRCh37 (hg19) VCF-style: chr11-111731324-G-A.
Other names: c.511C>T, p.Arg171Ter (NM_001077690.1, NM_001352417.1, NM_001352418.1 and 4 more transcripts); c.-3C>T (NM_001077691.2, NM_001077692.2, NM_001352409.1 and 11 more transcripts); c.-221C>T (NM_001352422.2); short protein forms R171*.
Identifiers: ClinVar variation 4526538 (VCV004526538.1).

ClinVar aggregate classification (germline): Likely pathogenic (1 of 4 stars; one submission).

Conditions:
ALG9 congenital disorder of glycosylation (CDG1L). Also called: ALG9-CDG; CDG Il; CONGENITAL DISORDER OF GLYCOSYLATION, TYPE Il. Identifiers: Orphanet 79328, MedGen C2931006, MONDO:0012117, OMIM 608776.

gnomAD v4.1: 3 of 1,613,930 alleles (0.00019%); highest among the groups gnomAD compares: South Asian, 0.0011%; no homozygotes.

Submission:

MVZ Medizinische Genetik Mainz
Classification: Likely pathogenic for ALG9 congenital disorder of glycosylation. Last evaluated: 2025-09-18. Review status: criteria provided, single submitter. Criteria: UK Practice Guidelines For Variant Classification V4 01 2020. Collection method: clinical testing. Allele origin: germline. Inheritance: Autosomal dominant inheritance. Affected: yes. Observed: 2 variant alleles.
Comment: ACMG Criteria: PVS1,PM2_SUP